The following is an entry in ClinVar:

ClinVar aggregate classification (germline): Likely pathogenic (1 of 4 stars; one submission).

Conditions:
Progressive sclerosing poliodystrophy (MTDPS4A). Also called: Alpers-Huttenlocher Syndrome (AHS); Alpers Syndrome; ALPERS PROGRESSIVE INFANTILE POLIODYSTROPHY; Mitochondrial DNA depletion syndrome 4A (Alpers type); ALPERS DIFFUSE DEGENERATION OF CEREBRAL GRAY MATTER WITH HEPATIC CIRRHOSIS; Alpers-Huttenlocher Syndrome. Identifiers: Orphanet 726, MedGen C0205710, MONDO:0008758, OMIM 203700.

Submission:

Wong Mito Lab, Molecular and Human Genetics, Baylor College of Medicine
Classification: Likely pathogenic for Progressive sclerosing poliodystrophy. Last evaluated: 2018-10-01. Review status: criteria provided, single submitter. Criteria: ACMG Guidelines, 2015. Collection method: clinical testing. Allele origin: germline.
Comment: The NM_002693.2:c.2589C>G (NP_002684.1:p.Ser863Arg) [GRCH38: NC_000015.10:g.89321745G>C] variant in POLG gene is interpretated to be a Likely Pathogenic based on ACMG guidelines (PMID: 25741868). This variant meets the following evidence codes reported in the ACMG-guideline. PM1:This variant is in mutational hot spot or a well-studied functional domain without benign variation. PM2:This variant is absent in key population databases. PP2:This is a missense variant in POLG with a low rate of benign and high rate of pathogenic missense variations. PP3:Computational evidence/predictors indicate the variant has deleterious effect on POLG structure, function, or protein-protein interaction. Based on the evidence criteria codes applied, the variant is suggested to be Likely Pathogenic.

NM_002693.3(POLG):c.2589C>G (p.Ser863Arg)

Gene: POLG (DNA polymerase gamma, catalytic subunit; minus strand). Cytogenetic location: 15q26.1.
Variant type: single nucleotide variant.
Coding change: c.2589C>G on transcript NM_002693.3 (MANE Select); coding-DNA position 2589, C replaced by G.
Protein change: p.Ser863Arg; replaces serine 863 with arginine.
Molecular consequence: missense variant.
Genome position (GRCh38, 1-based): chr15:89,321,745, G>C on the plus strand (C>G on the coding strand, the complement: POLG is on the minus strand). VCF-style: chr15-89321745-G-C. GRCh37 (hg19) VCF-style: chr15-89864976-G-C.
Other names: c.2589C>G, p.Ser863Arg (NM_001126131.2); short protein forms S863R.
Identifiers: ClinVar variation 619328 (VCV000619328.1), dbSNP rs1567187057, ClinGen allele CA10602234.
Genomic context (GRCh38, chr15:89,321,745, plus strand): 5'-TACAGACCTGGGAGAGGAAGAGCAGGGGCCAGAGGTACAGAGGTCACATACCCGGGCATT[G>C]CTGGCGGTGAGCCATGTGGGCTCCACAGCCCGGCGAGTGATGGTGCCGGCAGTCACCACT-3'
Protein context (NP_002684.1, residues 853-873): RAVEPTWLTA[Ser863Arg]NARPDRVGSE